The following is an entry in ClinVar:

ClinVar aggregate classification (germline): Uncertain significance (1 of 4 stars; one submission).

Conditions:
Inborn genetic diseases. Identifiers: MedGen C0950123, MeSH D030342.

Submission:

Ambry Genetics
Classification: Uncertain significance for Inborn genetic diseases. Last evaluated: 2026-05-17. Review status: criteria provided, single submitter. Criteria: Ambry Variant Classification Scheme 2023. Collection method: clinical testing. Allele origin: germline.
Comment: The p.L198F variant (also known as c.594A>T), located in coding exon 4 of the ANKRD26 gene, results from an A to T substitution at nucleotide position 594. The leucine at codon 198 is replaced by phenylalanine, an amino acid with highly similar properties. This amino acid position is conserved. In addition, the in silico prediction for this alteration is inconclusive. Based on the available evidence, the clinical significance of this variant remains unclear.

NM_014915.3(ANKRD26):c.594A>T (p.Leu198Phe)

Gene: ANKRD26 (ankyrin repeat domain 26; minus strand). Cytogenetic location: 10p12.1.
Variant type: single nucleotide variant.
Coding change: c.594A>T on transcript NM_014915.3 (MANE Select); coding-DNA position 594, A replaced by T.
Protein change: p.Leu198Phe; replaces leucine 198 with phenylalanine.
Molecular consequence: missense variant.
Genome position (GRCh38, 1-based): chr10:27,092,450, T>A on the plus strand (A>T on the coding strand, the complement: ANKRD26 is on the minus strand). VCF-style: chr10-27092450-T-A. GRCh37 (hg19) VCF-style: chr10-27381379-T-A.
Other names: c.594A>T, p.Leu198Phe (NM_001256053.2); short protein forms L198F.
Identifiers: ClinVar variation 4859883 (VCV004859883.1).